The following is an entry in ClinVar:

ClinVar aggregate classification (germline): Uncertain significance. Review status: criteria provided, multiple submitters, no conflicts (2 of 4 stars). 3 submissions from 3 submitters: Uncertain significance (3). Last evaluated 2024-05-07.

Conditions:
Hereditary cancer-predisposing syndrome. Also called: Neoplastic Syndromes, Hereditary; Hereditary neoplastic syndrome; Tumor predisposition; Hereditary Cancer Syndrome. Identifiers: Orphanet 140162, MedGen C0027672, MeSH D009386, MONDO:0015356.
Gorlin syndrome. Also called: Nevoid Basal Cell Carcinoma Syndrome; Basal cell nevus syndrome. Identifiers: Orphanet 377, MedGen C0004779, MONDO:0007187.

gnomAD v4.1: 1 of 1,611,242 alleles (0.000062%); no homozygotes.

Submissions (3):

Labcorp Genetics (formerly Invitae), Labcorp
Classification: Uncertain significance for Gorlin syndrome. Last evaluated: 2024-05-07. Review status: criteria provided, single submitter. Criteria: Invitae Variant Classification Sherloc (09022015). Collection method: clinical testing. Allele origin: germline.
Comment: This sequence change replaces arginine, which is basic and polar, with glutamine, which is neutral and polar, at codon 47 of the PTCH1 protein (p.Arg47Gln). This variant is not present in population databases (gnomAD no frequency). This variant has not been reported in the literature in individuals affected with PTCH1-related conditions. ClinVar contains an entry for this variant (Variation ID: 844613). Advanced modeling of protein sequence and biophysical properties (such as structural, functional, and spatial information, amino acid conservation, physicochemical variation, residue mobility, and thermodynamic stability) performed at Invitae indicates that this missense variant is not expected to disrupt PTCH1 protein function with a negative predictive value of 95%. In summary, the available evidence is currently insufficient to determine the role of this variant in disease. Therefore, it has been classified as a Variant of Uncertain Significance.

Ambry Genetics
Classification: Uncertain significance for Hereditary cancer-predisposing syndrome. Last evaluated: 2024-04-23. Review status: criteria provided, single submitter. Criteria: Ambry Variant Classification Scheme 2023. Collection method: clinical testing. Allele origin: germline.
Comment: The p.R47Q variant (also known as c.140G>A), located in coding exon 1 of the PTCH1 gene, results from a G to A substitution at nucleotide position 140. The arginine at codon 47 is replaced by glutamine, an amino acid with highly similar properties. This amino acid position is not well conserved in available vertebrate species. In addition, this alteration is predicted to be tolerated by in silico analysis. Based on the available evidence, the clinical significance of this variant remains unclear.

Sema4
Classification: Uncertain significance for Hereditary cancer-predisposing syndrome. Last evaluated: 2021-12-18. Review status: criteria provided, single submitter. Criteria: Sema4 Curation Guidelines. Collection method: curation. Allele origin: germline.
Comment: The PTCH1 c.140G>A (p.R47Q) variant has not been reported in the literature to our knowledge. It was not observed in the large and broad cohorts of the Genome Aggregation Database, but has been reported in ClinVar (Variation ID: 844613). Functional studies have not been performed, and in silico predictions of the variant's effect on protein function are inconclusive. The evidence is insufficient to meet ACMG/AMP criteria for classifying the variant as benign or pathogenic. Thus, the clinical significance of this variant is currently uncertain.

NM_000264.5(PTCH1):c.140G>A (p.Arg47Gln)

Genes: PTCH1 (patched 1; minus strand), LOC130002133 (ATAC-STARR-seq lymphoblastoid silent region 20071; plus strand). Cytogenetic location: 9q22.32.
Variant type: single nucleotide variant.
Coding change: c.140G>A on transcript NM_000264.5 (MANE Select); coding-DNA position 140, G replaced by A.
Protein change: p.Arg47Gln; replaces arginine 47 with glutamine.
Molecular consequence: missense variant. On other transcripts: non-coding transcript variant (1), intron variant (3).
Genome position (GRCh38, 1-based): chr9:95,508,222, C>T on the plus strand (G>A on the coding strand, the complement: PTCH1 is on the minus strand). VCF-style: chr9-95508222-C-T. GRCh37 (hg19) VCF-style: chr9-98270504-C-T.
Other names: c.140G>A, p.Arg47Gln (NM_001354918.2); c.199-1623G>A (NM_001083603.3); c.4-1623G>A (NM_001083602.3, NM_001354919.2); short protein forms R47Q.
Identifiers: ClinVar variation 844613 (VCV000844613.14), dbSNP rs775408408, ClinGen allele CA374121365.
Genomic context (GRCh38, chr9:95,508,222, plus strand): 5'-TTGGAAATCTGCTCCAGAGCGAAGGCGGCGTCGCAGTAGCTGGGCCGGTGCAGATAGTCC[C>T]GGTCCGGCGCGGCAGCACGGCGCAGCCCCCCCGTCCGTCTGCGCCTCCCGCCTCCAGCCG-3'
Protein context (NP_000255.2, residues 37-57): GGLRRAAAPD[Arg47Gln]DYLHRPSYCD